The following is an entry in ClinVar:

NM_001543.5(NDST1):c.1432A>G (p.Ile478Val)

Gene: NDST1 (N-deacetylase and N-sulfotransferase 1; plus strand). Cytogenetic location: 5q33.1.
Variant type: single nucleotide variant.
Coding change: c.1432A>G on transcript NM_001543.5 (MANE Select); coding-DNA position 1432, A replaced by G.
Protein change: p.Ile478Val; replaces isoleucine 478 with valine.
Molecular consequence: missense variant.
Genome position (GRCh38, 1-based): chr5:150,535,880, A>G. VCF-style: chr5-150535880-A-G. GRCh37 (hg19) VCF-style: chr5-149915442-A-G.
Other names: c.1432A>G, p.Ile478Val (NM_001301063.2); c.1432A>G (NM_001543.4); short protein forms I478V.
Identifiers: ClinVar variation 1383444 (VCV001383444.5), dbSNP rs373125426, ClinGen allele CA129128186.

ClinVar aggregate classification (germline): Uncertain significance. Review status: criteria provided, multiple submitters, no conflicts (2 of 4 stars). 2 submissions from 2 submitters: Uncertain significance (2). Last evaluated 2024-05-07.

Conditions:
Inborn genetic diseases. Identifiers: MedGen C0950123, MeSH D030342.

Allele frequency attached by ClinVar (database versions not stated): gnomAD exomes below 0.00001.
gnomAD v4.1: 3 of 1,613,414 alleles (0.00019%); highest among the groups gnomAD compares: East Asian, 0.0022%; no homozygotes.

Submissions (2):

Ambry Genetics
Classification: Uncertain significance for Inborn genetic diseases. Last evaluated: 2024-05-07. Review status: criteria provided, single submitter. Criteria: Ambry Variant Classification Scheme 2023. Collection method: clinical testing. Allele origin: germline.

Labcorp Genetics (formerly Invitae), Labcorp
Classification: Uncertain significance. Last evaluated: 2023-03-31. Review status: criteria provided, single submitter. Criteria: Invitae Variant Classification Sherloc (09022015). Collection method: clinical testing. Allele origin: germline.
Comment: In summary, the available evidence is currently insufficient to determine the role of this variant in disease. Therefore, it has been classified as a Variant of Uncertain Significance. Advanced modeling of protein sequence and biophysical properties (such as structural, functional, and spatial information, amino acid conservation, physicochemical variation, residue mobility, and thermodynamic stability) performed at Invitae indicates that this missense variant is not expected to disrupt NDST1 protein function. ClinVar contains an entry for this variant (Variation ID: 1383444). This variant has not been reported in the literature in individuals affected with NDST1-related conditions. This variant is not present in population databases (gnomAD no frequency). This sequence change replaces isoleucine, which is neutral and non-polar, with valine, which is neutral and non-polar, at codon 478 of the NDST1 protein (p.Ile478Val).